The following is an entry in ClinVar:

ClinVar aggregate classification (germline): Likely benign. Review status: criteria provided, multiple submitters, no conflicts (2 of 4 stars). 3 submissions from 3 submitters: Likely benign (2). 1 of the submissions does not count toward it. Last evaluated 2025-08-24.

Conditions:
FREM1-related disorder. Also called: FREM1-Related Disorders; FREM1-related condition.

gnomAD v4.1: 221 of 1,613,730 alleles (0.014%); highest among the groups gnomAD compares: Non-Finnish European, 0.017%; no homozygotes.

Submissions (3):

Labcorp Genetics (formerly Invitae), Labcorp
Classification: Likely benign. Last evaluated: 2025-08-24. Review status: criteria provided, single submitter. Criteria: Invitae Variant Classification Sherloc (09022015). Collection method: clinical testing. Allele origin: germline.

Blueprint Genetics
Classification: Likely benign. Last evaluated: 2024-11-18. Review status: criteria provided, single submitter. Criteria: ACMG Guidelines, 2015. Collection method: clinical testing. Allele origin: germline.

PreventionGenetics, part of Exact Sciences
Classification: Likely benign for FREM1-related condition. Last evaluated: 2019-07-31. Review status: no assertion criteria provided. Collection method: clinical testing. Allele origin: germline. Not counted in ClinVar's aggregate classification.
Comment: This variant is classified as likely benign based on ACMG/AMP sequence variant interpretation guidelines (Richards et al. 2015 PMID: 25741868, with internal and published modifications).

NM_001379081.2(FREM1):c.459G>A (p.Ala153=)

Gene: FREM1 (FRAS1 related extracellular matrix 1; minus strand). Cytogenetic location: 9p22.3.
Variant type: single nucleotide variant.
Coding change: c.459G>A on transcript NM_001379081.2 (MANE Select); coding-DNA position 459, G replaced by A.
Protein change: p.Ala153=; no amino-acid change (alanine 153 retained).
Molecular consequence: synonymous variant. On other transcripts: non-coding transcript variant (4).
Genome position (GRCh38, 1-based): chr9:14,859,355, C>T on the plus strand (G>A on the coding strand, the complement: FREM1 is on the minus strand). VCF-style: chr9-14859355-C-T. GRCh37 (hg19) VCF-style: chr9-14859353-C-T.
Other names: c.459G>A, p.Ala153= (NM_001370060.1, NM_001370063.1, NM_001370065.1 and 1 more transcripts).
Identifiers: ClinVar variation 3035126 (VCV003035126.4), dbSNP rs562673690, ClinGen allele CA4991569.